The following is an entry in ClinVar:

NM_006059.4(LAMC3):c.538C>T (p.Arg180Cys)

Gene: LAMC3 (laminin subunit gamma 3; plus strand). Cytogenetic location: 9q34.12.
Variant type: single nucleotide variant.
Coding change: c.538C>T on transcript NM_006059.4 (MANE Select); coding-DNA position 538, C replaced by T.
Protein change: p.Arg180Cys; replaces arginine 180 with cysteine.
Molecular consequence: missense variant.
Genome position (GRCh38, 1-based): chr9:131,026,449, C>T. VCF-style: chr9-131026449-C-T. GRCh37 (hg19) VCF-style: chr9-133901836-C-T.
Other names: short protein forms R180C.
Identifiers: ClinVar variation 418860 (VCV000418860.18), dbSNP rs146609763, ClinGen allele CA5286721.

ClinVar aggregate classification (germline): Conflicting classifications of pathogenicity. Review status: criteria provided, conflicting classifications (1 of 4 stars). 6 submissions from 6 submitters: Uncertain significance (5); Likely benign (1). Last evaluated 2025-01-01.

Conditions:
Occipital pachygyria and polymicrogyria. Identifiers: Orphanet 280640, MedGen C3279875, MONDO:0013583, OMIM 614115.

Allele frequency attached by ClinVar (database versions not stated): gnomAD 0.00015 and 0.00016; ExAC 0.00017; gnomAD exomes 0.00017 and 0.00021; TOPMed 0.00020; ESP Exome Variant Server 0.00031.
gnomAD v4.1: 326 of 1,613,620 alleles (0.02%); highest among the groups gnomAD compares: Middle Eastern, 0.033%; 1 homozygote.

Submissions (6):

Labcorp Genetics (formerly Invitae), Labcorp
Classification: Uncertain significance. Last evaluated: 2025-01-01. Review status: criteria provided, single submitter. Criteria: Invitae Variant Classification Sherloc (09022015). Collection method: clinical testing. Allele origin: germline.
Comment: This sequence change replaces arginine, which is basic and polar, with cysteine, which is neutral and slightly polar, at codon 180 of the LAMC3 protein (p.Arg180Cys). This variant is present in population databases (rs146609763, gnomAD 0.03%), including at least one homozygous and/or hemizygous individual. This variant has not been reported in the literature in individuals affected with LAMC3-related conditions. ClinVar contains an entry for this variant (Variation ID: 418860). An algorithm developed to predict the effect of missense changes on protein structure and function (PolyPhen-2) suggests that this variant is likely to be disruptive. In summary, the available evidence is currently insufficient to determine the role of this variant in disease. Therefore, it has been classified as a Variant of Uncertain Significance.

Blueprint Genetics
Classification: Likely benign. Last evaluated: 2024-09-19. Review status: criteria provided, single submitter. Criteria: ACMG Guidelines, 2015. Collection method: clinical testing. Allele origin: germline.

GeneDx
Classification: Uncertain significance. Last evaluated: 2021-12-03. Review status: criteria provided, single submitter. Criteria: GeneDx Variant Classification Process June 2021. Collection method: clinical testing. Allele origin: germline. Affected: yes.
Comment: In silico analysis supports that this missense variant has a deleterious effect on protein structure/function; Has not been previously published as pathogenic or benign to our knowledge

Centre for Mendelian Genomics, University Medical Centre Ljubljana
Classification: Uncertain significance for Occipital pachygyria and polymicrogyria. Last evaluated: 2019-03-25. Review status: criteria provided, single submitter. Criteria: ACMG Guidelines, 2015. Collection method: clinical testing. Allele origin: unknown. Affected: yes.
Comment: This variant was classified as: Uncertain significance. The available evidence on this variant's pathogenicity is insufficient or conflicting. The following ACMG criteria were applied in classifying this variant: PP3.

Fulgent Genetics
Classification: Uncertain significance for Occipital pachygyria and polymicrogyria. Last evaluated: 2018-10-31. Review status: criteria provided, single submitter. Criteria: ACMG Guidelines, 2015. Collection method: clinical testing. Allele origin: unknown.

Genetic Services Laboratory, University of Chicago
Classification: Uncertain significance. Last evaluated: 2015-09-30. Review status: criteria provided, single submitter. Criteria: ACMG Guidelines, 2015. Collection method: clinical testing. Allele origin: germline. Affected: no.